The following is an entry in ClinVar:

ClinVar aggregate classification (germline): Uncertain significance (1 of 4 stars; one submission).

Submission:

Labcorp Genetics (formerly Invitae), Labcorp
Classification: Uncertain significance. Last evaluated: 2022-08-09. Review status: criteria provided, single submitter. Criteria: Invitae Variant Classification Sherloc (09022015). Collection method: clinical testing. Allele origin: germline.
Comment: In summary, the available evidence is currently insufficient to determine the role of this variant in disease. Therefore, it has been classified as a Variant of Uncertain Significance. Variants that disrupt the consensus splice site are a relatively common cause of aberrant splicing (PMID: 17576681, 9536098). Algorithms developed to predict the effect of sequence changes on RNA splicing suggest that this variant may create or strengthen a splice site. This variant has not been reported in the literature in individuals affected with NDUFA13-related conditions. This variant is not present in population databases (gnomAD no frequency). This sequence change falls in intron 2 of the NDUFA13 gene. It does not directly change the encoded amino acid sequence of the NDUFA13 protein. It affects a nucleotide within the consensus splice site.

Literature cited by the submitters: PubMed 17576681; PubMed 9536098.

NM_015965.7(NDUFA13):c.173+3A>G

Genes: NDUFA13 (NADH:ubiquinone oxidoreductase subunit A13; plus strand), LOC125371495 (Sharpr-MPRA regulatory region 9511; plus strand). Cytogenetic location: 19p13.11.
Variant type: single nucleotide variant.
Coding change: c.173+3A>G on transcript NM_015965.7 (MANE Select); 3 bases into the intron after coding-DNA position 173, A replaced by G.
Molecular consequence: intron variant.
Genome position (GRCh38, 1-based): chr19:19,526,263, A>G. VCF-style: chr19-19526263-A-G. GRCh37 (hg19) VCF-style: chr19-19637072-A-G.
Identifiers: ClinVar variation 2021038 (VCV002021038.4), dbSNP rs2513880025, ClinGen allele CA2580096770.
Genomic context (GRCh38, chr19:19,526,263, plus strand): 5'-GGATTGGAACCCTGATCTACGGGCACTGGAGCATAATGAAGTGGAACCGTGAGCGCAGGT[A>G]GGGCCCCTGGTGGGCGTTGTCTGAAAGTGCCCCCCCGGCGAGTTGTCGGGGTCCTGTAGC-3'